The following is an entry in ClinVar:

NM_020919.4(ALS2):c.1151C>T (p.Pro384Leu)

Gene: ALS2 (alsin Rho guanine nucleotide exchange factor ALS2; minus strand). Cytogenetic location: 2q33.1.
Variant type: single nucleotide variant.
Coding change: c.1151C>T on transcript NM_020919.4 (MANE Select); coding-DNA position 1151, C replaced by T.
Protein change: p.Pro384Leu; replaces proline 384 with leucine.
Molecular consequence: missense variant.
Genome position (GRCh38, 1-based): chr2:201,757,722, G>A on the plus strand (C>T on the coding strand, the complement: ALS2 is on the minus strand). VCF-style: chr2-201757722-G-A. GRCh37 (hg19) VCF-style: chr2-202622445-G-A.
Other names: c.1151C>T (NM_020919.3); short protein forms P384L.
Identifiers: ClinVar variation 809141 (VCV000809141.47), dbSNP rs1216448093, ClinGen allele CA2058506.

ClinVar aggregate classification (germline): Uncertain significance. Review status: criteria provided, multiple submitters, no conflicts (2 of 4 stars). 3 submissions from 3 submitters: Uncertain significance (3). Last evaluated 2025-04-28.

Conditions:
Inborn genetic diseases. Identifiers: MedGen C0950123, MeSH D030342.
Infantile-onset ascending hereditary spastic paralysis (IAHSP). Also called: Infantile-Onset Ascending Hereditary Spastic Paralysis (IAHSP); Autosomal Recessive Juvenile Amyotrophic Lateral Sclerosis. Identifiers: Orphanet 293168, MedGen C2931441, MONDO:0011797, OMIM 607225. Disease mechanism: loss of function.

Allele frequency attached by ClinVar (database versions not stated): gnomAD 0.00002; TOPMed 0.00002; gnomAD exomes 0.00003 and 0.00004; ExAC 0.00004.
gnomAD v4.1: 44 of 1,612,504 alleles (0.0027%); highest among the groups gnomAD compares: East Asian, 0.011%; no homozygotes.

Submissions (3):

Ambry Genetics
Classification: Uncertain significance for Inborn genetic diseases. Last evaluated: 2025-04-28. Review status: criteria provided, single submitter. Criteria: Ambry Variant Classification Scheme 2023. Collection method: clinical testing. Allele origin: germline.

Labcorp Genetics (formerly Invitae), Labcorp
Classification: Uncertain significance for Infantile-onset ascending hereditary spastic paralysis. Last evaluated: 2025-04-07. Review status: criteria provided, single submitter. Criteria: Invitae Variant Classification Sherloc (09022015). Collection method: clinical testing. Allele origin: germline.
Comment: This sequence change replaces proline, which is neutral and non-polar, with leucine, which is neutral and non-polar, at codon 384 of the ALS2 protein (p.Pro384Leu). This variant is present in population databases (no rsID available, gnomAD 0.01%). This variant has not been reported in the literature in individuals affected with ALS2-related conditions. ClinVar contains an entry for this variant (Variation ID: 809141). An algorithm developed to predict the effect of missense changes on protein structure and function outputs the following: PolyPhen-2: "Benign". The leucine amino acid residue is found in multiple mammalian species, which suggests that this missense change does not adversely affect protein function. In summary, the available evidence is currently insufficient to determine the role of this variant in disease. Therefore, it has been classified as a Variant of Uncertain Significance.

CeGaT Center for Human Genetics Tuebingen
Classification: Uncertain significance. Last evaluated: 2016-08-01. Review status: criteria provided, single submitter. Criteria: CeGaT Center For Human Genetics Tuebingen Variant Classification Criteria Version 2. Collection method: clinical testing. Allele origin: germline. Affected: yes. Observed: 1 variant allele.